The following is an entry in ClinVar:

ClinVar aggregate classification (germline): Uncertain significance (1 of 4 stars; one submission).

Conditions:
Kabuki syndrome. Also called: NIIKAWA-KUROKI SYNDROME; Kabuki make-up syndrome. Identifiers: Orphanet 2322, MedGen C0796004, MONDO:0016512.

gnomAD v4.1: 3 of 1,514,702 alleles (0.0002%); highest among the groups gnomAD compares: Non-Finnish European, 0.00027%; no homozygotes.

Submission:

Labcorp Genetics (formerly Invitae), Labcorp
Classification: Uncertain significance for Kabuki syndrome. Last evaluated: 2024-09-04. Review status: criteria provided, single submitter. Criteria: Invitae Variant Classification Sherloc (09022015). Collection method: clinical testing. Allele origin: germline.
Comment: This sequence change replaces proline, which is neutral and non-polar, with alanine, which is neutral and non-polar, at codon 826 of the KMT2D protein (p.Pro826Ala). This variant is not present in population databases (gnomAD no frequency). This variant has not been reported in the literature in individuals affected with KMT2D-related conditions. Invitae Evidence Modeling of protein sequence and biophysical properties (such as structural, functional, and spatial information, amino acid conservation, physicochemical variation, residue mobility, and thermodynamic stability) indicates that this missense variant is not expected to disrupt KMT2D protein function with a negative predictive value of 95%. In summary, the available evidence is currently insufficient to determine the role of this variant in disease. Therefore, it has been classified as a Variant of Uncertain Significance.

NM_003482.4(KMT2D):c.2476C>G (p.Pro826Ala)

Gene: KMT2D (lysine methyltransferase 2D; minus strand). Cytogenetic location: 12q13.12.
Variant type: single nucleotide variant.
Coding change: c.2476C>G on transcript NM_003482.4 (MANE Select); coding-DNA position 2476, C replaced by G.
Protein change: p.Pro826Ala; replaces proline 826 with alanine.
Molecular consequence: missense variant.
Genome position (GRCh38, 1-based): chr12:49,051,207, G>C on the plus strand (C>G on the coding strand, the complement: KMT2D is on the minus strand). VCF-style: chr12-49051207-G-C. GRCh37 (hg19) VCF-style: chr12-49444990-G-C.
Other names: short protein forms P826A.
Identifiers: ClinVar variation 3636907 (VCV003636907.2).